The following is an entry in ClinVar:

NM_032444.4(SLX4):c.3758C>T (p.Thr1253Ile)

Gene: SLX4 (SLX4 structure-specific endonuclease subunit; minus strand). Cytogenetic location: 16p13.3.
Variant type: single nucleotide variant.
Coding change: c.3758C>T on transcript NM_032444.4 (MANE Select); coding-DNA position 3758, C replaced by T.
Protein change: p.Thr1253Ile; replaces threonine 1253 with isoleucine.
Molecular consequence: missense variant.
Genome position (GRCh38, 1-based): chr16:3,589,880, G>A on the plus strand (C>T on the coding strand, the complement: SLX4 is on the minus strand). VCF-style: chr16-3589880-G-A. GRCh37 (hg19) VCF-style: chr16-3639881-G-A.
Other names: c.3758C>T (LRG_503t1, NM_032444.3); short protein forms T1253I.
Identifiers: ClinVar variation 526386 (VCV000526386.7), dbSNP rs202148391, ClinGen allele CA7865845.
Genomic context (GRCh38, chr16:3,589,880, plus strand): 5'-GTCTGGGAAGAACAGTCACGGCTTCTGCTGGCCAGCGGGGTGGCGGGCACCAGCCACGAG[G>A]TGTCTGTGGTGCTGGCCTCGCTGGGGCTGCTCTCACGGTCACAGAACAGCCAGGGAGCCC-3'
Protein context (NP_115820.2, residues 1243-1263): SSPSEASTTD[Thr1253Ile]SWLVPATPLA

ClinVar aggregate classification (germline): Uncertain significance. Review status: criteria provided, multiple submitters, no conflicts (2 of 4 stars). 5 submissions from 5 submitters: Uncertain significance (5). Last evaluated 2025-09-10.

Conditions:
Fanconi anemia (FA). Also called: Fanconi's anemia. Identifiers: Orphanet 84, MedGen C0015625, MeSH D005199, MONDO:0019391.
SLX4-related disorder. Also called: SLX4-related condition.
Inborn genetic diseases. Identifiers: MedGen C0950123, MeSH D030342.

Allele frequency attached by ClinVar (database versions not stated): gnomAD exomes 0.00002; ExAC 0.00004; TOPMed 0.00014; ESP Exome Variant Server 0.00015; 1000 Genomes Project 30x 0.00016; gnomAD 0.00016; 1000 Genomes Project 0.00020.

Submissions (5):

Ambry Genetics
Classification: Uncertain significance for Inborn genetic diseases. Last evaluated: 2025-09-10. Review status: criteria provided, single submitter. Criteria: Ambry Variant Classification Scheme 2023. Collection method: clinical testing. Allele origin: germline.

GeneDx
Classification: Uncertain significance. Last evaluated: 2025-06-24. Review status: criteria provided, single submitter. Criteria: GeneDx Variant Classification Process June 2021. Collection method: clinical testing. Allele origin: germline. Affected: yes.
Comment: In silico analysis supports that this missense variant has a deleterious effect on protein structure/function; Has not been previously published as pathogenic or benign to our knowledge

Blueprint Genetics
Classification: Uncertain significance. Last evaluated: 2024-04-11. Review status: criteria provided, single submitter. Criteria: ACMG Guidelines, 2015. Collection method: clinical testing. Allele origin: germline.

PreventionGenetics, part of Exact Sciences
Classification: Uncertain significance for SLX4-related condition. Last evaluated: 2023-04-17. Review status: criteria provided, single submitter. Criteria: ACMG Guidelines, 2015. Collection method: clinical testing. Allele origin: germline.
Comment: The SLX4 c.3758C>T variant is predicted to result in the amino acid substitution p.Thr1253Ile. To our knowledge, this variant has not been reported in the literature. This variant is reported in 0.044% of alleles in individuals of African descent in gnomAD. At this time, the clinical significance of this variant is uncertain due to the absence of conclusive functional and genetic evidence.

Labcorp Genetics (formerly Invitae), Labcorp
Classification: Uncertain significance for Fanconi anemia. Last evaluated: 2022-10-06. Review status: criteria provided, single submitter. Criteria: Invitae Variant Classification Sherloc (09022015). Collection method: clinical testing. Allele origin: germline.
Comment: This sequence change replaces threonine, which is neutral and polar, with isoleucine, which is neutral and non-polar, at codon 1253 of the SLX4 protein (p.Thr1253Ile). This variant is present in population databases (rs202148391, gnomAD 0.05%). This variant has not been reported in the literature in individuals affected with SLX4-related conditions. ClinVar contains an entry for this variant (Variation ID: 526386). Algorithms developed to predict the effect of missense changes on protein structure and function are either unavailable or do not agree on the potential impact of this missense change (SIFT: "Deleterious"; PolyPhen-2: "Possibly Damaging"; Align-GVGD: "Class C0"). In summary, the available evidence is currently insufficient to determine the role of this variant in disease. Therefore, it has been classified as a Variant of Uncertain Significance.